The following is an entry in ClinVar:

ClinVar aggregate classification (germline): Conflicting classifications of pathogenicity. Review status: criteria provided, conflicting classifications (1 of 4 stars). 7 submissions from 7 submitters: Likely pathogenic (4); Uncertain significance (3). Last evaluated 2025-12-02.

Conditions:
Hereditary cancer-predisposing syndrome. Also called: Neoplastic Syndromes, Hereditary; Tumor predisposition; Hereditary Cancer Syndrome; Hereditary neoplastic syndrome. Identifiers: Orphanet 140162, MedGen C0027672, MeSH D009386, MONDO:0015356.
Familial cancer of breast. Also called: BREAST CANCER, FAMILIAL; Hereditary breast cancer; hereditary breast carcinoma. Identifiers: Orphanet 227535, MedGen C0346153, MONDO:0016419, OMIM 114480. Disease mechanism: loss of function.

Allele frequency attached by ClinVar (database versions not stated): gnomAD exomes below 0.00001.

Submissions (7):

Ambry Genetics
Classification: Uncertain significance for Hereditary cancer-predisposing syndrome. Last evaluated: 2025-12-02. Review status: criteria provided, single submitter. Criteria: Ambry Variant Classification Scheme 2023. Collection method: clinical testing. Allele origin: germline.
Comment: The p.M1? variant (also known as c.3G>A), located in coding exon 1 of the CHEK2 gene, results from a G to A substitution at nucleotide position 3. This alters the methionine at the translation initiation codon. Variations that modify the initiation codon (ATG) are expected to result in either loss of translation initiation, N-terminal truncation, or cause a shift in the mRNA reading frame; however there is an alternate in-frame methionine 45 amino acids from the initiation site and the significance of the N-terminus for this protein is not well established. Based on the available evidence, the clinical significance of this variant remains unclear.

Labcorp Genetics (formerly Invitae), Labcorp
Classification: Uncertain significance for Familial cancer of breast. Last evaluated: 2025-03-25. Review status: criteria provided, single submitter. Criteria: Invitae Variant Classification Sherloc (09022015). Collection method: clinical testing. Allele origin: germline.
Comment: This sequence change affects the initiator methionine of the CHEK2 mRNA. The next in-frame methionine is located at codon 46. This variant is present in population databases (rs786203977, gnomAD 0.0009%). This variant has not been reported in the literature in individuals affected with CHEK2-related conditions. ClinVar contains an entry for this variant (Variation ID: 187757). Experimental studies and prediction algorithms are not available or were not evaluated, and the functional significance of this variant is currently unknown. In summary, the available evidence is currently insufficient to determine the role of this variant in disease. Therefore, it has been classified as a Variant of Uncertain Significance.

Myriad Genetics, Inc.
Classification: Likely pathogenic for Familial cancer of breast. Last evaluated: 2023-06-22. Review status: criteria provided, single submitter. Criteria: Myriad Autosomal Dominant, Autosomal Recessive and X-Linked Classification Criteria (2023). Collection method: clinical testing. Allele origin: unknown.
Comment: This variant is considered likely pathogenic. This variant is located within the gene translation start codon (p.Met1?) and is predicted to result in abnormal protein translation.

GeneDx
Classification: Likely pathogenic. Last evaluated: 2022-12-23. Review status: criteria provided, single submitter. Criteria: GeneDx Variant Classification Process June 2021. Collection method: clinical testing. Allele origin: germline. Affected: yes.
Comment: Initiation codon variant in a gene for which loss-of-function is a known mechanism of disease; Not observed in large population cohorts (gnomAD); Observed in cohort of individuals with ovarian cancer (Arvai et al., 2019); This variant is associated with the following publications: (PMID: 32805687, 31341520)

Color Diagnostics, LLC DBA Color Health
Classification: Uncertain significance for Hereditary cancer-predisposing syndrome. Last evaluated: 2022-11-01. Review status: criteria provided, single submitter. Criteria: ACMG Guidelines, 2015. Collection method: clinical testing. Allele origin: germline.
Comment: This variant alters methionine residue at codon 1 of the CHEK2 gene. Because a downstream methionine at codon 46 may be used to initiate CHEK2 protein translation, the impact to this variant on gene expression is not known. To our knowledge, functional studies have not been reported for this variant. This variant has not been reported in individuals affected with hereditary cancer in the literature. This variant has been identified in 1/244834 chromosomes in the general population by the Genome Aggregation Database (gnomAD). The available evidence is insufficient to determine the role of this variant in disease conclusively. Therefore, this variant is classified as a Variant of Uncertain Significance.

Mendelics
Classification: Likely pathogenic for Familial cancer of breast. Last evaluated: 2019-05-28. Review status: criteria provided, single submitter. Criteria: Mendelics Assertion Criteria 2017. Collection method: clinical testing. Allele origin: unknown.

Quest Diagnostics Nichols Institute San Juan Capistrano
Classification: Likely pathogenic. Last evaluated: 2018-11-21. Review status: criteria provided, single submitter. Criteria: Quest Diagnostics criteria. Collection method: clinical testing. Allele origin: germline.
Comment: The variant disrupts the natural start codon, and is therefore predicted to result in the loss of a functional protein. The best available variant frequency is uninformative.

NM_007194.4(CHEK2):c.3G>A (p.Met1Ile)

Gene: CHEK2 (checkpoint kinase 2; minus strand). Cytogenetic location: 22q12.1.
Variant type: single nucleotide variant.
Coding change: c.3G>A on transcript NM_007194.4 (MANE Select); coding-DNA position 3, G replaced by A.
Protein change: p.Met1Ile; changes the start codon (methionine 1).
Molecular consequence: missense variant, initiator codon variant.
Genome position (GRCh38, 1-based): chr22:28,734,719, C>T on the plus strand (G>A on the coding strand, the complement: CHEK2 is on the minus strand). VCF-style: chr22-28734719-C-T. GRCh37 (hg19) VCF-style: chr22-29130707-C-T.
Other names: c.3G>A, p.Met1Ile (NM_001005735.3, NM_001349956.3, NM_145862.3); c.-775G>A (NM_001257387.3); short protein forms M1I.
Identifiers: ClinVar variation 187757 (VCV000187757.32), dbSNP rs786203977, ClinGen allele CA198495.